The following is an entry in ClinVar:

ClinVar aggregate classification (germline): Uncertain significance. Review status: criteria provided, multiple submitters, no conflicts (2 of 4 stars). 2 submissions from 2 submitters: Uncertain significance (2). Last evaluated 2025-09-27.

Conditions:
Cardiovascular phenotype. Identifiers: MedGen CN230736.
Brugada syndrome 4 (BRGDA4). Identifiers: Orphanet 130, MedGen C2678477, MONDO:0012743, OMIM 611876.

Allele frequency attached by ClinVar (database versions not stated): gnomAD exomes below 0.00001.
gnomAD v4.1: 2 of 1,614,154 alleles (0.00012%); highest among the groups gnomAD compares: Non-Finnish European, 0.00017%; no homozygotes.

Submissions (2):

Labcorp Genetics (formerly Invitae), Labcorp
Classification: Uncertain significance for Brugada syndrome 4. Last evaluated: 2025-09-27. Review status: criteria provided, single submitter. Criteria: Invitae Variant Classification Sherloc (09022015). Collection method: clinical testing. Allele origin: germline.
Comment: This sequence change replaces histidine, which is basic and polar, with proline, which is neutral and non-polar, at codon 132 of the CACNB2 protein (p.His132Pro). This variant is not present in population databases (gnomAD no frequency). This variant has not been reported in the literature in individuals affected with CACNB2-related conditions. ClinVar contains an entry for this variant (Variation ID: 1736490). Invitae Evidence Modeling of protein sequence and biophysical properties (such as structural, functional, and spatial information, amino acid conservation, physicochemical variation, residue mobility, and thermodynamic stability) indicates that this missense variant is not expected to disrupt CACNB2 protein function with a negative predictive value of 80%. In summary, the available evidence is currently insufficient to determine the role of this variant in disease. Therefore, it has been classified as a Variant of Uncertain Significance.

Ambry Genetics
Classification: Uncertain significance for Cardiovascular phenotype. Last evaluated: 2025-05-14. Review status: criteria provided, single submitter. Criteria: Ambry Variant Classification Scheme 2023. Collection method: clinical testing. Allele origin: germline.

NM_201596.3(CACNB2):c.557A>C (p.His186Pro)

Gene: CACNB2 (calcium voltage-gated channel auxiliary subunit beta 2; plus strand). Cytogenetic location: 10p12.31.
Variant type: single nucleotide variant.
Coding change: c.557A>C on transcript NM_201596.3 (MANE Select); coding-DNA position 557, A replaced by C.
Protein change: p.His186Pro; replaces histidine 186 with proline.
Molecular consequence: missense variant.
Genome position (GRCh38, 1-based): chr10:18,500,912, A>C. VCF-style: chr10-18500912-A-C. GRCh37 (hg19) VCF-style: chr10-18789841-A-C.
Other names: c.392A>C, p.His131Pro (NM_000724.4, NM_001330060.2); c.473A>C, p.His158Pro (NM_001167945.2, NM_201571.4, NM_201572.4); c.413A>C, p.His138Pro (NM_001410882.1, NM_201570.3); c.395A>C, p.His132Pro (NM_201590.3); c.557A>C, p.His186Pro (NM_201593.3, NM_201597.3); short protein forms H131P, H132P, H138P, H186P, H158P.
Identifiers: ClinVar variation 1736490 (VCV001736490.4), dbSNP rs2494364003, ClinGen allele CA376058025.